The following is an entry in ClinVar:

ClinVar aggregate classification (germline): Uncertain significance (1 of 4 stars; one submission).

Conditions:
Hyper-IgM syndrome type 5 (HIGM5). Also called: Hyper-IgM Immunodeficiency Syndrome, Type 5. Identifiers: Orphanet 101092, MedGen C1720958, MONDO:0011971, OMIM 608106.

Allele frequency attached by ClinVar (database versions not stated): gnomAD exomes 0.00001.

Submission:

Labcorp Genetics (formerly Invitae), Labcorp
Classification: Uncertain significance for Hyper-IgM syndrome type 5. Last evaluated: 2022-03-22. Review status: criteria provided, single submitter. Criteria: Invitae Variant Classification Sherloc (09022015). Collection method: clinical testing. Allele origin: germline.
Comment: This variant has not been reported in the literature in individuals affected with UNG-related conditions. This variant is present in population databases (no rsID available, gnomAD 0.0009%). This sequence change replaces proline, which is neutral and non-polar, with alanine, which is neutral and non-polar, at codon 175 of the UNG protein (p.Pro175Ala). In summary, the available evidence is currently insufficient to determine the role of this variant in disease. Therefore, it has been classified as a Variant of Uncertain Significance. Algorithms developed to predict the effect of missense changes on protein structure and function (SIFT, PolyPhen-2, Align-GVGD) all suggest that this variant is likely to be tolerated.

NM_080911.3(UNG):c.523C>G (p.Pro175Ala)

Gene: UNG (uracil DNA glycosylase; plus strand). Cytogenetic location: 12q24.11.
Variant type: single nucleotide variant.
Coding change: c.523C>G on transcript NM_080911.3 (MANE Select); coding-DNA position 523, C replaced by G.
Protein change: p.Pro175Ala; replaces proline 175 with alanine.
Molecular consequence: missense variant.
Genome position (GRCh38, 1-based): chr12:109,101,989, C>G. VCF-style: chr12-109101989-C-G. GRCh37 (hg19) VCF-style: chr12-109539794-C-G.
Other names: c.496C>G, p.Pro166Ala (NM_003362.4); short protein forms P166A, P175A.
Identifiers: ClinVar variation 1512691 (VCV001512691.6), dbSNP rs1201337667, ClinGen allele CA386471779.
Genomic context (GRCh38, chr12:109,101,989, plus strand): 5'-CCATATCATGGACCTAATCAAGCTCACGGGCTCTGCTTTAGTGTTCAAAGGCCTGTTCCG[C>G]CTCCGCCCAGGTACAGTTGCTTTACAGGTGACTGCAGTCCAGACATGATTCCTTTCAGAT-3'
Protein context (NP_550433.1, residues 165-185): LCFSVQRPVP[Pro175Ala]PPSLENIYKE